The following is an entry in ClinVar:

NM_001101362.3(KBTBD13):c.*995T>C

Gene: KBTBD13 (kelch repeat and BTB domain containing 13; plus strand). Cytogenetic location: 15q22.31.
Variant type: single nucleotide variant.
Coding change: c.*995T>C on transcript NM_001101362.3 (MANE Select); 995 bases downstream of the stop codon, T replaced by C.
Molecular consequence: 3 prime UTR variant.
Genome position (GRCh38, 1-based): chr15:65,079,187, T>C. VCF-style: chr15-65079187-T-C. GRCh37 (hg19) VCF-style: chr15-65371525-T-C.
Identifiers: ClinVar variation 316765 (VCV000316765.6), dbSNP rs146228424, ClinGen allele CA10636361.

ClinVar aggregate classification (germline): Benign. Review status: criteria provided, multiple submitters, no conflicts (2 of 4 stars). 2 submissions from 2 submitters: Benign (2). Last evaluated 2018-01-13.

Conditions:
Nemaline myopathy 6 (NEM6). Also called: Nemaline myopathy 6, autosomal dominant. Identifiers: Orphanet 171439, MedGen C1836472, MONDO:0012237, OMIM 609273.

Allele frequency attached by ClinVar (database versions not stated): TOPMed 0.00334; 1000 Genomes Project 0.00339; gnomAD 0.00305 and 0.00332; 1000 Genomes Project 30x 0.00328.

Submissions (2):

Illumina Laboratory Services, Illumina
Classification: Benign for Nemaline myopathy 6. Last evaluated: 2018-01-13. Review status: criteria provided, single submitter. Criteria: ICSL Variant Classification Criteria 13 December 2019. Collection method: clinical testing. Allele origin: germline.
Comment: This variant was observed in the ICSL laboratory as part of a predisposition screen in an ostensibly healthy population. It had not been previously curated by ICSL or reported in the Human Gene Mutation Database (HGMD: prior to June 1st, 2018), and was therefore a candidate for classification through an automated scoring system. Utilizing variant allele frequency, disease prevalence and penetrance estimates, and inheritance mode, an automated score was calculated to assess if this variant is too frequent to cause the disease. Based on the score and internal cut-off values, a variant classified as benign is not then subjected to further curation. The score for this variant resulted in a classification of benign for this disease.

Breakthrough Genomics
Classification: Benign. Review status: criteria provided, single submitter. Criteria: ACMG Guidelines, 2015. Collection method: not provided. Allele origin: germline. Inheritance: Autosomal dominant inheritance. Affected: yes.